The following is an entry in ClinVar:

ClinVar aggregate classification (germline): Uncertain significance (1 of 4 stars; one submission).

Conditions:
Hypertrophic cardiomyopathy. Also called: HYPERTROPHIC MYOCARDIOPATHY. Identifiers: Orphanet 217569, MedGen C0007194, MeSH D002312, MONDO:0005045, HP:0001639.

Submission:

Labcorp Genetics (formerly Invitae), Labcorp
Classification: Uncertain significance for Hypertrophic cardiomyopathy. Last evaluated: 2019-11-20. Review status: criteria provided, single submitter. Criteria: Invitae Variant Classification Sherloc (09022015). Collection method: clinical testing. Allele origin: germline.
Comment: This variant has not been reported in the literature in individuals with MYBPC3-related conditions. In summary, the available evidence is currently insufficient to determine the role of this variant in disease. Therefore, it has been classified as a Variant of Uncertain Significance. Algorithms developed to predict the effect of missense changes on protein structure and function (SIFT, PolyPhen-2, Align-GVGD) all suggest that this variant is likely to be tolerated, but these predictions have not been confirmed by published functional studies and their clinical significance is uncertain. This variant is not present in population databases (ExAC no frequency). This sequence change replaces threonine with serine at codon 1153 of the MYBPC3 protein (p.Thr1153Ser). The threonine residue is moderately conserved and there is a small physicochemical difference between threonine and serine.

NM_000256.3(MYBPC3):c.3458C>G (p.Thr1153Ser)

Gene: MYBPC3 (myosin binding protein C3; minus strand). Cytogenetic location: 11p11.2.
Variant type: single nucleotide variant.
Coding change: c.3458C>G on transcript NM_000256.3 (MANE Select); coding-DNA position 3458, C replaced by G.
Protein change: p.Thr1153Ser; replaces threonine 1153 with serine.
Molecular consequence: missense variant.
Genome position (GRCh38, 1-based): chr11:47,332,846, G>C on the plus strand (C>G on the coding strand, the complement: MYBPC3 is on the minus strand). VCF-style: chr11-47332846-G-C. GRCh37 (hg19) VCF-style: chr11-47354397-G-C.
Other names: short protein forms T1153S.
Identifiers: ClinVar variation 851079 (VCV000851079.9), dbSNP rs2095878539, ClinGen allele CA380313175.
Genomic context (GRCh38, chr11:47,332,846, plus strand): 5'-CCTGGTTGGAAGAATGAGGGTACAGCACCTGGTCTGGGGATAAAGACGGGCTCCTTGGTG[G>C]TGGCCGCTCTGTCACTAAAGCCAACCATATTCTGGCTGAAGACGCGGAAGTAGTAGCCAT-3'
Protein context (NP_000247.2, residues 1143-1163): NMVGFSDRAA[Thr1153Ser]TKEPVFIPRP